The following is an entry in ClinVar:

ClinVar aggregate classification (germline): Pathogenic. Review status: criteria provided, multiple submitters, no conflicts (2 of 4 stars). 8 submissions from 8 submitters: Pathogenic (6). 2 of the submissions do not count toward it. Last evaluated 2023-11-27.

Conditions:
Fanconi-Bickel syndrome (FBS). Also called: Glycogen storage disease due to GLUT2 deficiency; FANCONI SYNDROME WITH INTESTINAL MALABSORPTION AND GALACTOSE INTOLERANCE; PSEUDO-PHLORIZIN DIABETES; HEPATIC GLYCOGENOSIS WITH AMINO ACIDURIA AND GLUCOSURIA; HEPATIC GLYCOGENOSIS WITH FANCONI NEPHROPATHY; HEPATORENAL GLYCOGENOSIS WITH RENAL FANCONI SYNDROME. Identifiers: Orphanet 2088, MedGen C3495427, MONDO:0009216, OMIM 227810.
Type 2 diabetes mellitus. Also called: Type II diabetes mellitus. Identifiers: MedGen C0011860, MeSH D003924, MONDO:0005148, OMIM 125853, HP:0005978.
Familial long QT syndrome (RWS). Also called: Romano-Ward syndrome; VENTRICULAR FIBRILLATION WITH PROLONGED QT INTERVAL; Congenital long QT syndrome. Identifiers: Orphanet 768, MedGen C1141890, MONDO:0019171.

Allele frequency attached by ClinVar (database versions not stated): TOPMed 0.00002; gnomAD 0.00002.
gnomAD v4.1: 23 of 1,611,572 alleles (0.0014%); highest among the groups gnomAD compares: Non-Finnish European, 0.0017%; no homozygotes.

Submissions (9):

GeneDx
Classification: Pathogenic. Last evaluated: 2023-11-27. Review status: criteria provided, single submitter. Criteria: GeneDx Variant Classification Process June 2021. Collection method: clinical testing. Allele origin: germline. Affected: yes.
Comment: Nonsense variant predicted to result in protein truncation or nonsense mediated decay in a gene for which loss-of-function is a known mechanism of disease; Not observed at significant frequency in large population cohorts (gnomAD); This variant is associated with the following publications: (PMID: 25525159, 9354798, 27617158, 24175243, 11810292, 21972075, 17994282, 35738466, 36140215)

Department of Human Genetics, Hannover Medical School
Classification: Pathogenic for Fanconi-Bickel syndrome. Last evaluated: 2023-05-02. Review status: criteria provided, single submitter. Criteria: ACMG Guidelines, 2015. Collection method: clinical testing. Allele origin: germline. Inheritance: Autosomal recessive inheritance. Affected: yes.

Fulgent Genetics
Classification: Pathogenic for Type 2 diabetes mellitus; Fanconi-Bickel syndrome. Last evaluated: 2022-03-22. Review status: criteria provided, single submitter. Criteria: ACMG Guidelines, 2015. Collection method: clinical testing. Allele origin: unknown.

Laboratory of Cyto-molecular Genetics, Department of Anatomy, All India Institute of Medical Sciences (AIIMS), New Delhi
Classification: Pathogenic for Fanconi-Bickel syndrome. Last evaluated: 2022-03-07. Review status: criteria provided, single submitter. Criteria: ACMG Guidelines, 2015. Collection method: clinical testing. Allele origin: germline. Affected: yes. Observed: 3 variant alleles.
Comment: p.(Arg365*), nonsense variant

Labcorp Genetics (formerly Invitae), Labcorp
Classification: Pathogenic for Fanconi-Bickel syndrome. Last evaluated: 2019-10-03. Review status: criteria provided, single submitter. Criteria: Invitae Variant Classification Sherloc (09022015). Collection method: clinical testing. Allele origin: germline.
Comment: For these reasons, this variant has been classified as Pathogenic. Loss-of-function variants in SLC2A2 are known to be pathogenic (PMID: 11810292). Algorithms developed to predict the effect of sequence changes on RNA splicing suggest that this variant may create or strengthen a splice site, but this prediction has not been confirmed by published transcriptional studies. This variant has been observed in individuals and families affected with Fanconi-Bickel syndrome (PMID: 9354798, 11810292). ClinVar contains an entry for this variant (Variation ID: 16092). This sequence change creates a premature translational stop signal (p.Arg365*) in the SLC2A2 gene. It is expected to result in an absent or disrupted protein product. This variant is not present in population databases (ExAC no frequency).

Lifecell International Pvt. Ltd
Classification: Pathogenic for Fanconi-Bickel syndrome. Review status: criteria provided, single submitter. Criteria: ACMG Guidelines, 2015. Collection method: clinical testing. Allele origin: germline. Inheritance: Autosomal recessive inheritance. Affected: yes. Observed: 1 compound heterozygote.
Comment: A Heterozygous Nonsense variant c.1093C>T in Exon 9 of the SLC2A2 gene that results in the amino acid substitution p.Arg365* was identified. The observed variant has a maximum allele frequency of 0.00001/0.00006% in gnomAD exomes and genomes, respectively. The severity of the impact of this variant on the protein is high, based on the effect of the protein and REVEL score . Rare Exome Variant Ensemble Learner (REVEL) is an ensembl method for predicting the pathogenicity of missense variants based on a combination of scores from 13 individual tools: MutPred, FATHMM v2.3, VEST 3.0, PolyPhen-2, SIFT, PROVEAN, MutationAssessor, MutationTaster, LRT, GERP++, SiPhy, phyloP, and phastCons. The REVEL score for an individual missense variant can range from 0 to 1, with higher scores reflecting greater likelihood that the variant is disease-causing. This variant has been reported as Pathogenic in the ClinVar database (Variant ID: 16092). This variant was reported among patients for Fanconi-Bickel syndrome (Santer R et al., 2002). Based on the above evidence this variant has been classified as Pathogenic according to the ACMG guidelines.

OMIM
Classification: Pathogenic for FANCONI-BICKEL SYNDROME. Last evaluated: 2002-01-01. Review status: no assertion criteria provided. Collection method: literature only. Allele origin: germline. Not counted in ClinVar's aggregate classification.

Dr. Peter K. Rogan Lab, Western University
No classification provided (evidence only). Condition: Glioma susceptibility 1. Review status: no classification provided. Collection method: in vitro. Allele origin: not applicable. Functional consequence: retained intron. Not counted in ClinVar's aggregate classification.

Genetics and Genomics Program, Sidra Medicine
Classification: Pathogenic for Isolated congenital long QT syndrome. Review status: no assertion criteria provided. Collection method: research. Allele origin: unknown. Affected: yes. Not counted in ClinVar's aggregate classification.
Comment: The c.1093C>T stop gained variant in SLC2A2 is reported in ClinVar as pathogenic (SCV000535871) and is absent in homozygous form in population databases like gnomAD, with a frequency of 0.0000637 (PM2). This variant results in a premature stop codon, likely causing loss of function (PVS1). The variant is classified as pathogenic (ACMG codes: PVS1, PM2, PP3, PP5).

Literature cited by the submitters: PubMed 35738466 (cited by Laboratory of Cyto-molecular Genetics, Department of Anatomy, All India Institute of Medical Sciences (AIIMS), New Delhi); PubMed 11810292 (cited by 3 submitters); PubMed 9354798 (cited by Labcorp Genetics (formerly Invitae), Labcorp and OMIM).

NM_000340.2(SLC2A2):c.1093C>T (p.Arg365Ter)

Gene: SLC2A2 (solute carrier family 2 member 2; minus strand). Cytogenetic location: 3q26.2.
Variant type: single nucleotide variant.
Coding change: c.1093C>T on transcript NM_000340.2 (MANE Select); coding-DNA position 1093, C replaced by T.
Protein change: p.Arg365Ter; replaces arginine 365 with a stop codon.
Molecular consequence: nonsense.
Genome position (GRCh38, 1-based): chr3:170,999,142, G>A on the plus strand (C>T on the coding strand, the complement: SLC2A2 is on the minus strand). VCF-style: chr3-170999142-G-A. GRCh37 (hg19) VCF-style: chr3-170716931-G-A.
Other names: 1405C-T; c.736C>T, p.Arg246Ter (NM_001278658.2); c.574C>T, p.Arg192Ter (NM_001278659.2); short protein forms R365*, R192*, R246*.
Identifiers: ClinVar variation 16092 (VCV000016092.22), dbSNP rs121909742, ClinGen allele CA019983.